The following is an entry in ClinVar:

ClinVar aggregate classification (germline): Benign. Review status: criteria provided, single submitter (1 of 4 stars). 2 submissions from 2 submitters: Benign (1). 1 of the submissions does not count toward it. Last evaluated 2025-11-01.

Conditions:
LONP1-related disorder. Also called: LONP1-related condition; LONP1-related disorders.

Allele frequency attached by ClinVar (database versions not stated): gnomAD exomes 0.00008 and 0.00029; ExAC 0.00036; gnomAD 0.00086 and 0.00092; TOPMed 0.00093; ESP Exome Variant Server 0.00131; 1000 Genomes Project 0.00160; 1000 Genomes Project 30x 0.00172.
gnomAD v4.1: 251 of 1,614,022 alleles (0.016%); highest among the groups gnomAD compares: African/African-American, 0.3%; 2 homozygotes.

Submissions (2):

Labcorp Genetics (formerly Invitae), Labcorp
Classification: Benign. Last evaluated: 2025-11-01. Review status: criteria provided, single submitter. Criteria: Invitae Variant Classification Sherloc (09022015). Collection method: clinical testing. Allele origin: germline.

PreventionGenetics, part of Exact Sciences
Classification: Likely benign for LONP1-related condition. Last evaluated: 2019-03-21. Review status: no assertion criteria provided. Collection method: clinical testing. Allele origin: germline. Not counted in ClinVar's aggregate classification.
Comment: This variant is classified as likely benign based on ACMG/AMP sequence variant interpretation guidelines (Richards et al. 2015 PMID: 25741868, with internal and published modifications).

NM_004793.4(LONP1):c.2373T>C (p.Asp791=)

Gene: LONP1 (lon peptidase 1, mitochondrial; minus strand). Cytogenetic location: 19p13.3.
Variant type: single nucleotide variant.
Coding change: c.2373T>C on transcript NM_004793.4 (MANE Select); coding-DNA position 2373, T replaced by C.
Protein change: p.Asp791=; no amino-acid change (aspartic acid 791 retained).
Molecular consequence: synonymous variant. On other transcripts: non-coding transcript variant (1).
Genome position (GRCh38, 1-based): chr19:5,693,717, A>G on the plus strand (T>C on the coding strand, the complement: LONP1 is on the minus strand). VCF-style: chr19-5693717-A-G. GRCh37 (hg19) VCF-style: chr19-5693728-A-G.
Other names: c.2181T>C, p.Asp727= (NM_001276479.2); c.1785T>C, p.Asp595= (NM_001276480.1).
Identifiers: ClinVar variation 713400 (VCV000713400.12), dbSNP rs137990308, ClinGen allele CA9114128.